The following is an entry in ClinVar:

ClinVar aggregate classification (germline): Uncertain significance (1 of 4 stars; one submission).

gnomAD v4.1: 1 of 1,612,062 alleles (0.000062%); no homozygotes.

Submission:

CeGaT Center for Human Genetics Tuebingen
Classification: Uncertain significance. Last evaluated: 2026-07-01. Review status: criteria provided, single submitter. Criteria: CeGaT Center For Human Genetics Tuebingen Variant Classification Criteria Version 2. Collection method: clinical testing. Allele origin: germline. Affected: yes. Observed: 1 variant allele.
Comment: IGF1R: PM2

NM_000875.5(IGF1R):c.698C>G (p.Pro233Arg)

Gene: IGF1R (insulin like growth factor 1 receptor; plus strand). Cytogenetic location: 15q26.3.
Variant type: single nucleotide variant.
Coding change: c.698C>G on transcript NM_000875.5 (MANE Select); coding-DNA position 698, C replaced by G.
Protein change: p.Pro233Arg; replaces proline 233 with arginine.
Molecular consequence: missense variant.
Genome position (GRCh38, 1-based): chr15:98,891,382, C>G. VCF-style: chr15-98891382-C-G. GRCh37 (hg19) VCF-style: chr15-99434611-C-G.
Other names: c.698C>G, p.Pro233Arg (NM_001291858.2); short protein forms P233R.
Identifiers: ClinVar variation 5040291 (VCV005040291.1).